The following is an entry in ClinVar:

NM_004260.4(RECQL4):c.1396C>G (p.Pro466Ala)

Gene: RECQL4 (RecQ like helicase 4; minus strand). Cytogenetic location: 8q24.3.
Variant type: single nucleotide variant.
Coding change: c.1396C>G on transcript NM_004260.4 (MANE Select); coding-DNA position 1396, C replaced by G.
Protein change: p.Pro466Ala; replaces proline 466 with alanine.
Molecular consequence: missense variant.
Genome position (GRCh38, 1-based): chr8:144,515,237, G>C on the plus strand (C>G on the coding strand, the complement: RECQL4 is on the minus strand). VCF-style: chr8-144515237-G-C. GRCh37 (hg19) VCF-style: chr8-145740621-G-C.
Other names: short protein forms P466A.
Identifiers: ClinVar variation 407031 (VCV000407031.10), dbSNP rs562809072, ClinGen allele CA4948869.

ClinVar aggregate classification (germline): Uncertain significance. Review status: criteria provided, multiple submitters, no conflicts (2 of 4 stars). 2 submissions from 2 submitters: Uncertain significance (2). Last evaluated 2025-12-29.

Conditions:
Rothmund-Thomson syndrome type 2 (RTS2). Identifiers: Orphanet 221016, MedGen C5203410, MONDO:0016369, OMIM 268400.
Baller-Gerold syndrome (BGS). Also called: CRANIOSYNOSTOSIS WITH RADIAL DEFECTS. Identifiers: Orphanet 1225, MedGen C0265308, MONDO:0009039, OMIM 218600.

Allele frequency attached by ClinVar (database versions not stated): gnomAD below 0.00001 and 0.00003; 1000 Genomes Project 30x 0.00031; ExAC 0.00031; 1000 Genomes Project 0.00040.
gnomAD v4.1: 84 of 1,590,572 alleles (0.0053%); highest among the groups gnomAD compares: South Asian, 0.091%; 1 homozygote.

Submissions (2):

Labcorp Genetics (formerly Invitae), Labcorp
Classification: Uncertain significance for Baller-Gerold syndrome. Last evaluated: 2025-12-29. Review status: criteria provided, single submitter. Criteria: Invitae Variant Classification Sherloc (09022015). Collection method: clinical testing. Allele origin: germline.
Comment: This sequence change replaces proline, which is neutral and non-polar, with alanine, which is neutral and non-polar, at codon 466 of the RECQL4 protein (p.Pro466Ala). This variant is present in population databases (rs562809072, gnomAD 0.08%). This variant has not been reported in the literature in individuals affected with RECQL4-related conditions. ClinVar contains an entry for this variant (Variation ID: 407031). Invitae Evidence Modeling of protein sequence and biophysical properties (such as structural, functional, and spatial information, amino acid conservation, physicochemical variation, residue mobility, and thermodynamic stability) indicates that this missense variant is expected to disrupt RECQL4 protein function with a positive predictive value of 80%. This variant disrupts the p.Pro466 amino acid residue in RECQL4. Other variant(s) that disrupt this residue have been determined to be pathogenic (PMID: 18504617, 18716613, 23238538, 33046774). This suggests that this residue is clinically significant, and that variants that disrupt this residue are likely to be disease-causing. In summary, the available evidence is currently insufficient to determine the role of this variant in disease. Therefore, it has been classified as a Variant of Uncertain Significance.

Baylor Genetics
Classification: Uncertain significance for Rothmund-Thomson syndrome type 2. Last evaluated: 2020-05-21. Review status: criteria provided, single submitter. Criteria: ACMG Guidelines, 2015. Collection method: clinical testing. Allele origin: unknown. Affected: yes. Study: CSER-TexasKidsCanSeq.
Comment: This variant was determined to be of uncertain significance according to ACMG Guidelines, 2015 [PMID:25741868].

Literature cited by the submitters: PubMed 18504617 (cited by Labcorp Genetics (formerly Invitae), Labcorp); PubMed 18716613 (cited by Labcorp Genetics (formerly Invitae), Labcorp); PubMed 23238538 (cited by Labcorp Genetics (formerly Invitae), Labcorp); PubMed 33046774 (cited by Labcorp Genetics (formerly Invitae), Labcorp).